The following is an entry in ClinVar:

NM_003172.4(SURF1):c.823A>C (p.Ile275Leu)

Gene: SURF1 (SURF1 cytochrome c oxidase assembly factor; minus strand). Cytogenetic location: 9q34.2.
Variant type: single nucleotide variant.
Coding change: c.823A>C on transcript NM_003172.4 (MANE Select); coding-DNA position 823, A replaced by C.
Protein change: p.Ile275Leu; replaces isoleucine 275 with leucine.
Molecular consequence: missense variant.
Genome position (GRCh38, 1-based): chr9:133,352,071, T>G on the plus strand (A>C on the coding strand, the complement: SURF1 is on the minus strand). VCF-style: chr9-133352071-T-G. GRCh37 (hg19) VCF-style: chr9-136218926-T-G.
Other names: c.496A>C, p.Ile166Leu (NM_001280787.1); short protein forms I166L, I275L.
Identifiers: ClinVar variation 644994 (VCV000644994.8), dbSNP rs1050473947, ClinGen allele CA200832026.

ClinVar aggregate classification (germline): Uncertain significance (1 of 4 stars; one submission).

Conditions:
Leigh syndrome (NULS). Also called: Leigh Disease; Leigh Syndrome (mtDNA deletion); Leigh's syndrome; Subacute necrotizing encephalopathy; Necrotizing encephalopathy infantile subacute of Leigh; Leigh's necrotizing encephalopathy. Identifiers: Orphanet 506, MedGen C2931891, MONDO:0009723, OMIM 256000.

gnomAD v4.1: 2 of 1,611,796 alleles (0.00012%); highest among the groups gnomAD compares: African/African-American, 0.0013%; no homozygotes.

Submission:

Labcorp Genetics (formerly Invitae), Labcorp
Classification: Uncertain significance for Leigh syndrome. Last evaluated: 2021-09-01. Review status: criteria provided, single submitter. Criteria: Invitae Variant Classification Sherloc (09022015). Collection method: clinical testing. Allele origin: germline.
Comment: This sequence change replaces isoleucine with leucine at codon 275 of the SURF1 protein (p.Ile275Leu). The isoleucine residue is moderately conserved and there is a small physicochemical difference between isoleucine and leucine. This variant is not present in population databases (ExAC no frequency). This variant has not been reported in the literature in individuals affected with SURF1-related conditions. Algorithms developed to predict the effect of missense changes on protein structure and function (SIFT, PolyPhen-2, Align-GVGD) all suggest that this variant is likely to be tolerated. In summary, the available evidence is currently insufficient to determine the role of this variant in disease. Therefore, it has been classified as a Variant of Uncertain Significance.